The following is an entry in ClinVar:

NM_172107.4(KCNQ2):c.1351G>A (p.Ala451Thr)

Gene: KCNQ2 (potassium voltage-gated channel subfamily Q member 2; minus strand). Cytogenetic location: 20q13.33.
Variant type: single nucleotide variant.
Coding change: c.1351G>A on transcript NM_172107.4 (MANE Select); coding-DNA position 1351, G replaced by A.
Protein change: p.Ala451Thr; replaces alanine 451 with threonine.
Molecular consequence: missense variant.
Genome position (GRCh38, 1-based): chr20:63,415,077, C>T on the plus strand (G>A on the coding strand, the complement: KCNQ2 is on the minus strand). VCF-style: chr20-63415077-C-T. GRCh37 (hg19) VCF-style: chr20-62046430-C-T.
Other names: c.1297G>A, p.Ala433Thr (NM_001382235.1, NM_001439003.1, NM_172106.3); c.1267G>A, p.Ala423Thr (NM_001439004.1, NM_004518.6); c.1261G>A, p.Ala421Thr (NM_172108.5); short protein forms A433T, A423T, A451T, A421T.
Identifiers: ClinVar variation 4767604 (VCV004767604.1).
Genomic context (GRCh38, chr20:63,415,077, plus strand): 5'-GGTCGGCGCTGGGTGACCGCCTCACAGTCTGGGCCTGCGGGGACCCCTTCCCCTTGGCAG[C>T]CACGCCTCGGGGGCTGGAGAAGACACGATCTTTCAAACTGACCTTCTGGCTGCTCCCACG-3'
Protein context (NP_742105.1, residues 441-461): DRVFSSPRGV[Ala451Thr]AKGKGSPQAQ

ClinVar aggregate classification (germline): Uncertain significance (1 of 4 stars; one submission).

Conditions:
Early-infantile DEE. Also called: Ohtahara syndrome; Early infantile epileptic encephalopathy with suppression bursts; Early infantile epileptic encephalopathy. Identifiers: Orphanet 1934, MedGen C0393706, MONDO:0800491.

Submission:

Labcorp Genetics (formerly Invitae), Labcorp
Classification: Uncertain significance for Early-infantile DEE. Last evaluated: 2025-02-20. Review status: criteria provided, single submitter. Criteria: Invitae Variant Classification Sherloc (09022015). Collection method: clinical testing. Allele origin: germline.
Comment: This sequence change replaces alanine, which is neutral and non-polar, with threonine, which is neutral and polar, at codon 451 of the KCNQ2 protein (p.Ala451Thr). This variant is not present in population databases (gnomAD no frequency). This variant has not been reported in the literature in individuals affected with KCNQ2-related conditions. An algorithm developed to predict the effect of missense changes on protein structure and function outputs the following: PolyPhen-2: "Benign". The threonine amino acid residue is found in multiple mammalian species, which suggests that this missense change does not adversely affect protein function. In summary, the available evidence is currently insufficient to determine the role of this variant in disease. Therefore, it has been classified as a Variant of Uncertain Significance.